The following is an entry in ClinVar:

NM_206933.4(USH2A):c.4955C>T (p.Pro1652Leu)

Genes: USH2A (usherin; minus strand), USH2A-AS2 (USH2A antisense RNA 2; plus strand). Cytogenetic location: 1q41.
Variant type: single nucleotide variant.
Coding change: c.4955C>T on transcript NM_206933.4 (MANE Select); coding-DNA position 4955, C replaced by T.
Protein change: p.Pro1652Leu; replaces proline 1652 with leucine.
Molecular consequence: missense variant. On other transcripts: non-coding transcript variant (2).
Genome position (GRCh38, 1-based): chr1:216,086,751, G>A on the plus strand (C>T on the coding strand, the complement: USH2A is on the minus strand). VCF-style: chr1-216086751-G-A. GRCh37 (hg19) VCF-style: chr1-216260093-G-A.
Other names: short protein forms P1652L.
Identifiers: ClinVar variation 2155317 (VCV002155317.3), dbSNP rs778742785, ClinGen allele CA1395584.

ClinVar aggregate classification (germline): Uncertain significance. Review status: criteria provided, multiple submitters, no conflicts (2 of 4 stars). 3 submissions from 3 submitters: Uncertain significance (3). Last evaluated 2022-10-08.

Conditions:
Retinal dystrophy. Also called: Inherited retinal dystrophy. Identifiers: Orphanet 71862, MedGen C0854723, MeSH D058499, MONDO:0019118, HP:0000556.

Allele frequency attached by ClinVar (database versions not stated): ExAC 0.00002; gnomAD exomes 0.00002; TOPMed 0.00002; gnomAD 0.00003; 1000 Genomes Project 30x 0.00016.
gnomAD v4.1: 27 of 1,612,796 alleles (0.0017%); highest among the groups gnomAD compares: East Asian, 0.011%; no homozygotes.

Submissions (3):

Labcorp Genetics (formerly Invitae), Labcorp
Classification: Uncertain significance. Last evaluated: 2022-10-08. Review status: criteria provided, single submitter. Criteria: Invitae Variant Classification Sherloc (09022015). Collection method: clinical testing. Allele origin: germline.
Comment: This sequence change replaces proline, which is neutral and non-polar, with leucine, which is neutral and non-polar, at codon 1652 of the USH2A protein (p.Pro1652Leu). This variant is present in population databases (rs778742785, gnomAD 0.03%). This variant has not been reported in the literature in individuals affected with USH2A-related conditions. Advanced modeling of protein sequence and biophysical properties (such as structural, functional, and spatial information, amino acid conservation, physicochemical variation, residue mobility, and thermodynamic stability) performed at Invitae indicates that this missense variant is expected to disrupt USH2A protein function. In summary, the available evidence is currently insufficient to determine the role of this variant in disease. Therefore, it has been classified as a Variant of Uncertain Significance.

Blueprint Genetics
Classification: Uncertain significance. Last evaluated: 2022-07-01. Review status: criteria provided, single submitter. Criteria: ACMG Guidelines, 2015. Collection method: clinical testing. Allele origin: germline.

Institute of Human Genetics, Univ. Regensburg, Univ. Regensburg
Classification: Uncertain significance for Retinal dystrophy. Last evaluated: 2020-01-01. Review status: criteria provided, single submitter. Criteria: ACMG Guidelines, 2015. Collection method: clinical testing. Allele origin: germline. Affected: yes.

Literature cited by the submitters: PubMed 34327195 (cited by Institute of Human Genetics, Univ. Regensburg, Univ. Regensburg).